The following is an entry in ClinVar:

NM_138694.4(PKHD1):c.12159C>T (p.Ser4053=)

Gene: PKHD1 (PKHD1 ciliary IPT domain containing fibrocystin/polyductin; minus strand). Cytogenetic location: 6p12.3.
Variant type: single nucleotide variant.
Coding change: c.12159C>T on transcript NM_138694.4 (MANE Select); coding-DNA position 12159, C replaced by T.
Protein change: p.Ser4053=; no amino-acid change (serine 4053 retained).
Molecular consequence: synonymous variant.
Genome position (GRCh38, 1-based): chr6:51,619,147, G>A on the plus strand (C>T on the coding strand, the complement: PKHD1 is on the minus strand). VCF-style: chr6-51619147-G-A. GRCh37 (hg19) VCF-style: chr6-51483945-G-A.
Identifiers: ClinVar variation 743496 (VCV000743496.18), dbSNP rs1186724457, ClinGen allele CA450410816.

ClinVar aggregate classification (germline): Likely benign. Review status: criteria provided, single submitter (1 of 4 stars). 3 submissions from 3 submitters: Likely benign (1). 2 of the submissions do not count toward it. Last evaluated 2023-05-18.

Conditions:
PKHD1-related disorder. Also called: PKHD1-related condition.
Autosomal recessive polycystic kidney disease (ARPKD). Also called: AR polycystic kidney disease. Identifiers: Orphanet 731, Orphanet 8378, MedGen C0085548, MeSH D017044, MONDO:0009889.

Allele frequency attached by ClinVar (database versions not stated): gnomAD exomes below 0.00001; TOPMed below 0.00001; gnomAD 0.00001.
gnomAD v4.1: 2 of 1,614,076 alleles (0.00012%); highest among the groups gnomAD compares: East Asian, 0.0022%; no homozygotes.

Submissions (3):

Labcorp Genetics (formerly Invitae), Labcorp
Classification: Likely benign for Autosomal recessive polycystic kidney disease. Last evaluated: 2023-05-18. Review status: criteria provided, single submitter. Criteria: Invitae Variant Classification Sherloc (09022015). Collection method: clinical testing. Allele origin: germline.

PreventionGenetics, part of Exact Sciences
Classification: Likely benign for PKHD1-related condition. Last evaluated: 2023-07-14. Review status: no assertion criteria provided. Collection method: clinical testing. Allele origin: germline. Not counted in ClinVar's aggregate classification.
Comment: This variant is classified as likely benign based on ACMG/AMP sequence variant interpretation guidelines (Richards et al. 2015 PMID: 25741868, with internal and published modifications).

Natera, Inc.
Classification: Likely benign for Autosomal recessive polycystic kidney disease. Last evaluated: 2020-03-21. Review status: no assertion criteria provided. Collection method: clinical testing. Allele origin: germline. Not counted in ClinVar's aggregate classification.